The following is an entry in ClinVar:

NM_024529.5(CDC73):c.917G>C (p.Gly306Ala)

Gene: CDC73 (cell division cycle 73; plus strand). Cytogenetic location: 1q31.2.
Variant type: single nucleotide variant.
Coding change: c.917G>C on transcript NM_024529.5 (MANE Select); coding-DNA position 917, G replaced by C.
Protein change: p.Gly306Ala; replaces glycine 306 with alanine.
Molecular consequence: missense variant.
Genome position (GRCh38, 1-based): chr1:193,152,389, G>C. VCF-style: chr1-193152389-G-C. GRCh37 (hg19) VCF-style: chr1-193121519-G-C.
Other names: short protein forms G306A.
Identifiers: ClinVar variation 4739233 (VCV004739233.1).

ClinVar aggregate classification (germline): Uncertain significance (1 of 4 stars; one submission).

Conditions:
Parathyroid carcinoma (PRTC). Also called: Parathyroid gland carcinoma; CDC73-Related Parathyroid Carcinoma. Identifiers: Orphanet 143, MedGen C0687150, MONDO:0012004, OMIM 608266, HP:0006780.

Submission:

Labcorp Genetics (formerly Invitae), Labcorp
Classification: Uncertain significance for Parathyroid carcinoma. Last evaluated: 2025-02-10. Review status: criteria provided, single submitter. Criteria: Invitae Variant Classification Sherloc (09022015). Collection method: clinical testing. Allele origin: germline.
Comment: This sequence change replaces glycine, which is neutral and non-polar, with alanine, which is neutral and non-polar, at codon 306 of the CDC73 protein (p.Gly306Ala). This variant is not present in population databases (gnomAD no frequency). This variant has not been reported in the literature in individuals affected with CDC73-related conditions. Invitae Evidence Modeling of protein sequence and biophysical properties (such as structural, functional, and spatial information, amino acid conservation, physicochemical variation, residue mobility, and thermodynamic stability) has been performed for this missense variant. However, the output from this modeling did not meet the statistical confidence thresholds required to predict the impact of this variant on CDC73 protein function. In summary, the available evidence is currently insufficient to determine the role of this variant in disease. Therefore, it has been classified as a Variant of Uncertain Significance.